The following is an entry in ClinVar:

NM_000094.4(COL7A1):c.4891G>A (p.Gly1631Arg)

Gene: COL7A1 (collagen type VII alpha 1 chain; minus strand). Cytogenetic location: 3p21.31.
Variant type: single nucleotide variant.
Coding change: c.4891G>A on transcript NM_000094.4 (MANE Select); coding-DNA position 4891, G replaced by A.
Protein change: p.Gly1631Arg; replaces glycine 1631 with arginine.
Molecular consequence: missense variant.
Genome position (GRCh38, 1-based): chr3:48,581,268, C>T on the plus strand (G>A on the coding strand, the complement: COL7A1 is on the minus strand). VCF-style: chr3-48581268-C-T. GRCh37 (hg19) VCF-style: chr3-48618701-C-T.
Other names: short protein forms G1631R.
Identifiers: ClinVar variation 1954553 (VCV001954553.2), dbSNP rs2531102024, ClinGen allele CA352683085.

ClinVar aggregate classification (germline): Uncertain significance (1 of 4 stars; one submission).

Submission:

Labcorp Genetics (formerly Invitae), Labcorp
Classification: Uncertain significance. Last evaluated: 2021-06-11. Review status: criteria provided, single submitter. Criteria: Invitae Variant Classification Sherloc (09022015). Collection method: clinical testing. Allele origin: germline.
Comment: This sequence change replaces glycine with arginine at codon 1631 of the COL7A1 protein (p.Gly1631Arg). The glycine residue is highly conserved and there is a moderate physicochemical difference between glycine and arginine. This variant is not present in population databases (ExAC no frequency). This variant has not been reported in the literature in individuals with COL7A1-related conditions. Advanced modeling of protein sequence and biophysical properties (such as structural, functional, and spatial information, amino acid conservation, physicochemical variation, residue mobility, and thermodynamic stability) performed at Invitae indicates that this missense variant is expected to disrupt COL7A1 protein function. Algorithms developed to predict the effect of sequence changes on RNA splicing suggest that this variant may create or strengthen a splice site, but this prediction has not been confirmed by published transcriptional studies. In summary, the available evidence is currently insufficient to determine the role of this variant in disease. Therefore, it has been classified as a Variant of Uncertain Significance.